The following is an entry in ClinVar:

ClinVar aggregate classification (germline): Likely benign. Review status: criteria provided, multiple submitters, no conflicts (2 of 4 stars). 2 submissions from 2 submitters: Likely benign (2). Last evaluated 2025-07-01.

Conditions:
Spastic paraplegia. Identifiers: MedGen C0037772, HP:0001258.

Allele frequency attached by ClinVar (database versions not stated): gnomAD exomes 0.00002 and 0.00005; ExAC 0.00008; TOPMed 0.00012; gnomAD 0.00013 and 0.00014; 1000 Genomes Project 30x 0.00031; ESP Exome Variant Server 0.00039; 1000 Genomes Project 0.00040.
gnomAD v4.1: 43 of 1,612,852 alleles (0.0027%); highest among the groups gnomAD compares: African/African-American, 0.055%; no homozygotes.

Submissions (2):

CeGaT Center for Human Genetics Tuebingen
Classification: Likely benign. Last evaluated: 2025-07-01. Review status: criteria provided, single submitter. Criteria: CeGaT Center For Human Genetics Tuebingen Variant Classification Criteria Version 2. Collection method: clinical testing. Allele origin: germline. Affected: yes. Observed: 1 variant allele.
Comment: AP4E1: BP4, BP7

Labcorp Genetics (formerly Invitae), Labcorp
Classification: Likely benign for Spastic paraplegia. Last evaluated: 2019-12-12. Review status: criteria provided, single submitter. Criteria: Invitae Variant Classification Sherloc (09022015). Collection method: clinical testing. Allele origin: germline.

NM_007347.5(AP4E1):c.1416A>G (p.Arg472=)

Gene: AP4E1 (adaptor related protein complex 4 subunit epsilon 1; plus strand). Cytogenetic location: 15q21.2.
Variant type: single nucleotide variant.
Coding change: c.1416A>G on transcript NM_007347.5 (MANE Select); coding-DNA position 1416, A replaced by G.
Protein change: p.Arg472=; no amino-acid change (arginine 472 retained).
Molecular consequence: synonymous variant.
Genome position (GRCh38, 1-based): chr15:50,949,925, A>G. VCF-style: chr15-50949925-A-G. GRCh37 (hg19) VCF-style: chr15-51242122-A-G.
Other names: c.1191A>G, p.Arg397= (NM_001252127.2).
Identifiers: ClinVar variation 1138280 (VCV001138280.17), dbSNP rs148239178, ClinGen allele CA7559059.